The following is an entry in ClinVar:

NM_000180.4(GUCY2D):c.19C>T (p.Arg7Ter)

Gene: GUCY2D (guanylate cyclase 2D, retinal; plus strand). Cytogenetic location: 17p13.1.
Variant type: single nucleotide variant.
Coding change: c.19C>T on transcript NM_000180.4 (MANE Select); coding-DNA position 19, C replaced by T.
Protein change: p.Arg7Ter; replaces arginine 7 with a stop codon.
Molecular consequence: nonsense.
Genome position (GRCh38, 1-based): chr17:8,003,066, C>T. VCF-style: chr17-8003066-C-T. GRCh37 (hg19) VCF-style: chr17-7906384-C-T.
Other names: short protein forms R7*.
Identifiers: ClinVar variation 3775398 (VCV003775398.1).

ClinVar aggregate classification (germline): Pathogenic (1 of 4 stars; one submission).

Conditions:
Leber congenital amaurosis 1 (LCA1). Also called: AMAUROSIS CONGENITA OF LEBER I; RETINAL BLINDNESS, CONGENITAL; Congenital absence of the rods and cones; Leber's congenital tapetoretinal degeneration; Leber's congenital tapetoretinal dysplasia. Identifiers: Orphanet 65, MedGen C2931258, MONDO:0008764, OMIM 204000.

Submission:

3billion
Classification: Pathogenic for Leber congenital amaurosis 1. Last evaluated: 2023-07-25. Review status: criteria provided, single submitter. Criteria: ACMG Guidelines, 2015. Collection method: clinical testing. Allele origin: germline. Affected: yes.
Comment: The variant is not observed in the gnomAD v2.1.1 dataset. Predicted Consequence/Location: Stop-gained (nonsense): predicted to result in a loss or disruption of normal protein function through nonsense-mediated decay (NMD) or protein truncation. Multiple pathogenic variants are reported downstream of the variant. Therefore, this variant is classified as Pathogenic according to the recommendation of ACMG/AMP guideline.